The following is an entry in ClinVar:

NM_018136.5(ASPM):c.2495dup (p.Tyr832Ter)

Gene: ASPM (assembly factor for spindle microtubules; minus strand). Cytogenetic location: 1q31.3.
Variant type: Duplication.
Coding change: c.2495dup on transcript NM_018136.5 (MANE Select); coding-DNA position 2495, one base duplicated (A; older notation c.2495dupA).
Protein change: p.Tyr832Ter; replaces tyrosine 832 with a stop codon.
Molecular consequence: nonsense.
Genome position (GRCh38, 1-based): chr1:197,130,049, T duplicated on the plus strand (A on the coding strand, the reverse complement: ASPM is on the minus strand). VCF-style (leftmost placement, unchanged base first): chr1-197130048-A-AT. GRCh37 (hg19) VCF-style: chr1-197099178-A-AT.
Other names: c.2495dup, p.Tyr832Ter (NM_001206846.2); short protein forms Y832*.
Identifiers: ClinVar variation 2094931 (VCV002094931.4), dbSNP rs765640131, ClinGen allele CA1310428.

ClinVar aggregate classification (germline): Pathogenic (1 of 4 stars; one submission).

Allele frequency attached by ClinVar (database versions not stated): gnomAD exomes below 0.00001; ExAC 0.00001.

Submission:

Labcorp Genetics (formerly Invitae), Labcorp
Classification: Pathogenic. Last evaluated: 2026-01-12. Review status: criteria provided, single submitter. Criteria: Invitae Variant Classification Sherloc (09022015). Collection method: clinical testing. Allele origin: germline.
Comment: This sequence change creates a premature translational stop signal (p.Tyr832*) in the ASPM gene. It is expected to result in an absent or disrupted protein product. Loss-of-function variants in ASPM are known to be pathogenic (PMID: 19028728, 23611254). This variant is present in population databases (rs765640131, gnomAD 0.0009%). This variant has not been reported in the literature in individuals affected with ASPM-related conditions. ClinVar contains an entry for this variant (Variation ID: 2094931). For these reasons, this variant has been classified as Pathogenic.

Literature cited by the submitters: PubMed 19028728; PubMed 23611254.